The following is an entry in ClinVar:

ClinVar aggregate classification (germline): Likely pathogenic. Review status: criteria provided, single submitter (1 of 4 stars). 2 submissions from 2 submitters: Likely pathogenic (1). 1 of the submissions does not count toward it. Last evaluated 2024-07-24.

Conditions:
Galactosylceramide beta-galactosidase deficiency. Also called: Leukodystrophy, Globoid Cell; Krabbe Disease; GALACTOCEREBROSIDASE DEFICIENCY; GALC DEFICIENCY; GLOBOID CELL LEUKOENCEPHALOPATHY. Identifiers: Orphanet 487, MedGen C0023521, MONDO:0009499, OMIM 245200.

gnomAD v4.1: 1 of 1,606,808 alleles (0.000062%); highest among the groups gnomAD compares: Non-Finnish European, 0.000085%; no homozygotes.

Submissions (2):

Natera, Inc.
Classification: Likely pathogenic for Galactosylceramide beta-galactosidase deficiency. Last evaluated: 2024-07-24. Review status: criteria provided, single submitter. Criteria: Natera Variant Classification Schema (03/2026). Collection method: clinical testing. Allele origin: germline.
Comment: The c.1837G>T variant in GALC is a nonsense variant predicted to introduce a stop codon at amino acid 613. This variant is expected to result in nonsense mediated decay, truncation, or a dysfunctional protein product. This variant is rare in the general population with a frequency below the threshold expected for the associated phenotype(s). Given the available evidence, this variant is classified as Likely Pathogenic.

Counsyl
Classification: Likely pathogenic for Galactosylceramide beta-galactosidase deficiency. Last evaluated: 2016-07-07. Review status: no assertion criteria provided. Collection method: clinical testing. Allele origin: unknown. Not counted in ClinVar's aggregate classification.

NM_000153.4(GALC):c.1837G>T (p.Gly613Ter)

Gene: GALC (galactosylceramidase; minus strand). Cytogenetic location: 14q31.3.
Variant type: single nucleotide variant.
Coding change: c.1837G>T on transcript NM_000153.4 (MANE Select); coding-DNA position 1837, G replaced by T.
Protein change: p.Gly613Ter; replaces glycine 613 with a stop codon.
Molecular consequence: nonsense.
Genome position (GRCh38, 1-based): chr14:87,939,979, C>A on the plus strand (G>T on the coding strand, the complement: GALC is on the minus strand). VCF-style: chr14-87939979-C-A. GRCh37 (hg19) VCF-style: chr14-88406323-C-A.
Other names: c.1768G>T, p.Gly590Ter (NM_001201401.2); c.1759G>T, p.Gly587Ter (NM_001201402.2); short protein forms G613*, G587*, G590*.
Identifiers: ClinVar variation 371136 (VCV000371136.4), dbSNP rs1057517033, ClinGen allele CA16041692.
Genomic context (GRCh38, chr14:87,939,979, plus strand): 5'-TGAGTGTATACCATTTTTTTGCTGTAACTTCAACACGTCCTAAAGCATATATAATCCATC[C>A]AGCTGTAACACAAAAATATTATCCCAATAGATATAATTTTGAGATCTCAATCACAGAATC-3'